The following is an entry in ClinVar:

NM_004360.5(CDH1):c.522C>T (p.Asn174=)

Gene: CDH1 (cadherin 1; plus strand). Cytogenetic location: 16q22.1.
Variant type: single nucleotide variant.
Coding change: c.522C>T on transcript NM_004360.5 (MANE Select); coding-DNA position 522, C replaced by T.
Protein change: p.Asn174=; no amino-acid change (asparagine 174 retained).
Molecular consequence: synonymous variant. On other transcripts: 5 prime UTR variant (2).
Genome position (GRCh38, 1-based): chr16:68,808,558, C>T. VCF-style: chr16-68808558-C-T. GRCh37 (hg19) VCF-style: chr16-68842461-C-T.
Other names: c.522C>T (LRG_301t1); c.522C>T, p.Asn174= (NM_001317184.2); c.-1094C>T (NM_001317185.2); c.-1298C>T (NM_001317186.2).
Identifiers: ClinVar variation 184088 (VCV000184088.17), dbSNP rs571581856, ClinGen allele CA187745.

ClinVar aggregate classification (germline): Benign/Likely benign. Review status: criteria provided, multiple submitters, no conflicts (2 of 4 stars). 3 submissions from 3 submitters: Benign (1); Likely benign (2). Last evaluated 2024-09-13.

Conditions:
Hereditary cancer-predisposing syndrome. Also called: Tumor predisposition; Hereditary Cancer Syndrome; Hereditary neoplastic syndrome; Neoplastic Syndromes, Hereditary. Identifiers: Orphanet 140162, MedGen C0027672, MeSH D009386, MONDO:0015356.
Hereditary diffuse gastric adenocarcinoma (HDGC). Also called: DIFFUSE GASTRIC AND LOBULAR BREAST CANCER SYNDROME. Identifiers: Orphanet 26106, MedGen C1708349, MONDO:0007648, OMIM 137215.

Allele frequency attached by ClinVar (database versions not stated): gnomAD 0.00001; 1000 Genomes Project 30x 0.00016; 1000 Genomes Project 0.00020.
gnomAD v4.1: 1 of 1,614,148 alleles (0.000062%); highest among the groups gnomAD compares: East Asian, 0.0022%; no homozygotes.

Submissions (3):

Myriad Genetics, Inc.
Classification: Benign for Hereditary diffuse gastric adenocarcinoma. Last evaluated: 2024-09-13. Review status: criteria provided, single submitter. Criteria: Myriad Autosomal Dominant, Autosomal Recessive and X-Linked Classification Criteria (2023). Collection method: clinical testing. Allele origin: unknown.
Comment: This variant is considered benign. This variant is a silent/synonymous amino acid change and it is not expected to impact splicing.

Labcorp Genetics (formerly Invitae), Labcorp
Classification: Likely benign for Hereditary diffuse gastric adenocarcinoma. Last evaluated: 2024-09-01. Review status: criteria provided, single submitter. Criteria: Invitae Variant Classification Sherloc (09022015). Collection method: clinical testing. Allele origin: germline.

Ambry Genetics
Classification: Likely benign for Hereditary cancer-predisposing syndrome. Last evaluated: 2016-08-31. Review status: criteria provided, single submitter. Criteria: Ambry Variant Classification Scheme 2023. Collection method: clinical testing. Allele origin: germline.